The following is an entry in ClinVar:

ClinVar aggregate classification (germline): Pathogenic (1 of 4 stars; one submission).

Conditions:
EYA1-related disorder. Also called: EYA1-related condition.

Submission:

PreventionGenetics, part of Exact Sciences
Classification: Pathogenic for EYA1-related condition. Last evaluated: 2022-10-03. Review status: criteria provided, single submitter. Criteria: ACMG Guidelines, 2015. Collection method: clinical testing. Allele origin: germline.
Comment: The EYA1 c.717T>G variant is predicted to result in premature protein termination (p.Tyr239*). To our knowledge, this variant has not been reported in the literature or in a large population database, indicating this variant is rare. Nonsense variants in EYA1 are expected to be pathogenic. This variant is interpreted as pathogenic.

NM_000503.6(EYA1):c.717T>G (p.Tyr239Ter)

Gene: EYA1 (EYA transcriptional coactivator and phosphatase 1; minus strand). Cytogenetic location: 8q13.3.
Variant type: single nucleotide variant.
Coding change: c.717T>G on transcript NM_000503.6 (MANE Select); coding-DNA position 717, T replaced by G.
Protein change: p.Tyr239Ter; replaces tyrosine 239 with a stop codon.
Molecular consequence: nonsense.
Genome position (GRCh38, 1-based): chr8:71,299,156, A>C on the plus strand (T>G on the coding strand, the complement: EYA1 is on the minus strand). VCF-style: chr8-71299156-A-C. GRCh37 (hg19) VCF-style: chr8-72211391-A-C.
Other names: c.699T>G, p.Tyr233Ter (NM_001288574.2); c.351T>G, p.Tyr117Ter (NM_001288575.2); c.804T>G, p.Tyr268Ter (NM_001370333.1); c.717T>G, p.Tyr239Ter (NM_001370334.1, NM_001370335.1, NM_172058.4); c.786T>G, p.Tyr262Ter (NM_001370336.1); c.618T>G, p.Tyr206Ter (NM_001411797.1, NM_172060.4); c.789T>G, p.Tyr263Ter (NM_172059.5); short protein forms Y117*, Y206*, Y233*, Y239*, Y262*, Y263*, Y268*.
Identifiers: ClinVar variation 2637231 (VCV002637231.1), dbSNP rs774997460, ClinGen allele CA371467301.
Genomic context (GRCh38, chr8:71,299,156, plus strand): 5'-TTGAAGCTGGTAAGTGGCATTGGTGGATGGTGTCGTTGGGCTGGTGTTGCTGCTGGTCAT[A>C]TAATGTGCTGGATACGGTGAGCTGTTATAATACTGTGCGTACTGACCCTGGCCAAAACTG-3'